The following is an entry in ClinVar:

NM_003070.5(SMARCA2):c.4516A>T (p.Ile1506Phe)

Gene: SMARCA2 (SWI/SNF related BAF chromatin remodeling complex subunit ATPase 2; plus strand). Cytogenetic location: 9p24.3.
Variant type: single nucleotide variant.
Coding change: c.4516A>T on transcript NM_003070.5 (MANE Select); coding-DNA position 4516, A replaced by T.
Protein change: p.Ile1506Phe; replaces isoleucine 1506 with phenylalanine.
Molecular consequence: missense variant.
Genome position (GRCh38, 1-based): chr9:2,186,150, A>T. VCF-style: chr9-2186150-A-T. GRCh37 (hg19) VCF-style: chr9-2186150-A-T.
Other names: c.4516A>T, p.Ile1506Phe (NM_001289396.2); c.4288A>T, p.Ile1430Phe (NM_001289397.2); c.490A>T, p.Ile164Phe (NM_001289398.2); c.574A>T, p.Ile192Phe (NM_001289399.2); c.580A>T, p.Ile194Phe (NM_001289400.2); c.4462A>T, p.Ile1488Phe (NM_139045.4); short protein forms I1506F, I1430F, I1488F, I164F, I192F, I194F.
Identifiers: ClinVar variation 366251 (VCV000366251.13), dbSNP rs147135956, ClinGen allele CA4964205.
Genomic context (GRCh38, chr9:2,186,150, plus strand): 5'-ATTTAGATCTATGAAGACTCCATCGTCTTACAGTCAGTGTTTAAGAGTGCCCGGCAGAAA[A>T]TTGCCAAAGAGGAAGAGAGTGAGGATGAAAGCAATGAAGAGGAGGAAGAGGAAGATGAAG-3'
Protein context (NP_003061.3, residues 1496-1516): QSVFKSARQK[Ile1506Phe]AKEEESEDES

ClinVar aggregate classification (germline): Conflicting classifications of pathogenicity. Review status: criteria provided, conflicting classifications (1 of 4 stars). 4 submissions from 4 submitters: Uncertain significance (1); Benign (1); Likely benign (2). Last evaluated 2025-12-08.

Conditions:
Nicolaides-Baraitser syndrome (NCBRS). Also called: SMARCA2-Related Nicolaides-Baraitser Syndrome; Intellectual disability-sparse hair-brachydactyly syndrome. Identifiers: Orphanet 3051, MedGen C1303073, MONDO:0011053, OMIM 601358.

Allele frequency attached by ClinVar (database versions not stated): ExAC 0.00012; gnomAD exomes 0.00012; TOPMed 0.00016; gnomAD 0.00017 and 0.00018; ESP Exome Variant Server 0.00031.
gnomAD v4.1: 373 of 1,613,954 alleles (0.023%); highest among the groups gnomAD compares: Non-Finnish European, 0.03%; no homozygotes.

Submissions (4):

Labcorp Genetics (formerly Invitae), Labcorp
Classification: Likely benign. Last evaluated: 2025-12-08. Review status: criteria provided, single submitter. Criteria: Invitae Variant Classification Sherloc (09022015). Collection method: clinical testing. Allele origin: germline.

Blueprint Genetics
Classification: Likely benign. Last evaluated: 2024-10-23. Review status: criteria provided, single submitter. Criteria: ACMG Guidelines, 2015. Collection method: clinical testing. Allele origin: germline.

Revvity Omics, Revvity
Classification: Uncertain significance. Last evaluated: 2022-03-03. Review status: criteria provided, single submitter. Criteria: ACMG Guidelines, 2015. Collection method: clinical testing. Allele origin: germline.

Illumina Laboratory Services, Illumina
Classification: Benign for Nicolaides-Baraitser syndrome. Last evaluated: 2018-01-13. Review status: criteria provided, single submitter. Criteria: ICSL Variant Classification Criteria 13 December 2019. Collection method: clinical testing. Allele origin: germline.
Comment: This variant was observed in the ICSL laboratory as part of a predisposition screen in an ostensibly healthy population. It had not been previously curated by ICSL or reported in the Human Gene Mutation Database (HGMD: prior to June 1st, 2018), and was therefore a candidate for classification through an automated scoring system. Utilizing variant allele frequency, disease prevalence and penetrance estimates, and inheritance mode, an automated score was calculated to assess if this variant is too frequent to cause the disease. Based on the score and internal cut-off values, a variant classified as benign is not then subjected to further curation. The score for this variant resulted in a classification of benign for this disease.